The following is an entry in ClinVar:

NM_000497.4(CYP11B1):c.207C>G (p.His69Gln)

Gene: CYP11B1 (cytochrome P450 family 11 subfamily B member 1; minus strand). Cytogenetic location: 8q24.3.
Variant type: single nucleotide variant.
Coding change: c.207C>G on transcript NM_000497.4 (MANE Select); coding-DNA position 207, C replaced by G.
Protein change: p.His69Gln; replaces histidine 69 with glutamine.
Molecular consequence: missense variant.
Genome position (GRCh38, 1-based): chr8:142,879,607, G>C on the plus strand (C>G on the coding strand, the complement: CYP11B1 is on the minus strand). VCF-style: chr8-142879607-G-C. GRCh37 (hg19) VCF-style: chr8-143961023-G-C.
Other names: c.207C>G, p.His69Gln (NM_001026213.1); short protein forms H69Q.
Identifiers: ClinVar variation 2382000 (VCV002382000.3), dbSNP rs776502555, ClinGen allele CA4905681.

ClinVar aggregate classification (germline): Uncertain significance. Review status: criteria provided, single submitter (1 of 4 stars). 2 submissions from 2 submitters: Uncertain significance (1). 1 of the submissions does not count toward it. Last evaluated 2021-08-17.

Conditions:
Inborn genetic diseases. Identifiers: MedGen C0950123, MeSH D030342.
CYP11B1-related disorder. Also called: CYP11B1-related condition.

Allele frequency attached by ClinVar (database versions not stated): TOPMed below 0.00001; ExAC 0.00001; gnomAD 0.00001.

Submissions (2):

Ambry Genetics
Classification: Uncertain significance for Inborn genetic diseases. Last evaluated: 2021-08-17. Review status: criteria provided, single submitter. Criteria: Ambry Variant Classification Scheme 2023. Collection method: clinical testing. Allele origin: germline.

PreventionGenetics, part of Exact Sciences
Classification: Uncertain significance for CYP11B1-related condition. Last evaluated: 2024-08-19. Review status: no assertion criteria provided. Collection method: clinical testing. Allele origin: germline. Not counted in ClinVar's aggregate classification.
Comment: The CYP11B1 c.207C>G variant is predicted to result in the amino acid substitution p.His69Gln. To our knowledge, this variant has not been reported in the literature. This variant is reported in 0.023% of alleles in individuals of Latino descent in gnomAD. This variant falls within a highly paralogous region. Allele frequency data should be interpreted with caution. Of note, a different substitution at the same codon, defined as c.206A>C (p.His69Pro), was reported in the homozygous state in individuals with congenital adrenal hyperplasia (CAH) (Dundar et al. 2019. PubMed ID: 31006099; Yildiz et al. 2021. PubMed ID: 33830237). At this time, the clinical significance of the c.207C>G (p.His69Gln) variant is uncertain due to the absence of conclusive functional and genetic evidence.